The following is an entry in ClinVar:

NM_000368.5(TSC1):c.3005A>G (p.Asp1002Gly)

Gene: TSC1 (TSC complex subunit 1; minus strand). Cytogenetic location: 9q34.13.
Variant type: single nucleotide variant.
Coding change: c.3005A>G on transcript NM_000368.5 (MANE Select); coding-DNA position 3005, A replaced by G.
Protein change: p.Asp1002Gly; replaces aspartic acid 1002 with glycine.
Molecular consequence: missense variant. On other transcripts: non-coding transcript variant (5).
Genome position (GRCh38, 1-based): chr9:132,896,725, T>C on the plus strand (A>G on the coding strand, the complement: TSC1 is on the minus strand). VCF-style: chr9-132896725-T-C. GRCh37 (hg19) VCF-style: chr9-135772112-T-C.
Other names: c.2639A>G, p.Asp880Gly (NM_001406620.1, NM_001406621.1, NM_001406622.1 and 1 more transcripts); c.2600A>G, p.Asp867Gly (NM_001406624.1); c.2597A>G, p.Asp866Gly (NM_001406625.1); c.2054A>G, p.Asp685Gly (NM_001406626.1); c.2051A>G, p.Asp684Gly (NM_001406627.1, NM_001406628.1); c.1952A>G, p.Asp651Gly (NM_001406629.1, NM_001406630.1); c.3002A>G, p.Asp1001Gly (NM_001162426.2, NM_001406597.1, NM_001406598.1 and 2 more transcripts); c.2852A>G, p.Asp951Gly (NM_001162427.2, NM_001406610.1); and 8 more; short protein forms D1001G, D881G, D936G, D997G, D651G, D684G, D866G, D987G.
Identifiers: ClinVar variation 3974558 (VCV003974558.1).

ClinVar aggregate classification (germline): Uncertain significance (1 of 4 stars; one submission).

Conditions:
Hereditary cancer-predisposing syndrome. Also called: Tumor predisposition; Hereditary neoplastic syndrome; Hereditary Cancer Syndrome; Neoplastic Syndromes, Hereditary. Identifiers: Orphanet 140162, MedGen C0027672, MeSH D009386, MONDO:0015356.

Submission:

Ambry Genetics
Classification: Uncertain significance for Hereditary cancer-predisposing syndrome. Last evaluated: 2025-04-17. Review status: criteria provided, single submitter. Criteria: Ambry Variant Classification Scheme 2023. Collection method: clinical testing. Allele origin: germline.
Comment: The p.D1002G variant (also known as c.3005A>G), located in coding exon 21 of the TSC1 gene, results from an A to G substitution at nucleotide position 3005. The aspartic acid at codon 1002 is replaced by glycine, an amino acid with similar properties. This amino acid position is conserved. In addition, the in silico prediction for this alteration is inconclusive. Based on the available evidence, the clinical significance of this variant remains unclear.